The following is an entry in ClinVar:

NM_000038.6(APC):c.3097G>A (p.Asp1033Asn)

Gene: APC (APC regulator of Wnt signaling pathway; plus strand). Cytogenetic location: 5q22.2.
Variant type: single nucleotide variant.
Coding change: c.3097G>A on transcript NM_000038.6 (MANE Select); coding-DNA position 3097, G replaced by A.
Protein change: p.Asp1033Asn; replaces aspartic acid 1033 with asparagine.
Molecular consequence: missense variant. On other transcripts: non-coding transcript variant (2).
Genome position (GRCh38, 1-based): chr5:112,838,691, G>A. VCF-style: chr5-112838691-G-A. GRCh37 (hg19) VCF-style: chr5-112174388-G-A.
Other names: c.2848G>A, p.Asp950Asn (NM_001407456.1, NM_001407457.1, NM_001407454.1 and 1 more transcripts); c.2794G>A, p.Asp932Asn (NM_001407458.1, NM_001407459.1, NM_001407460.1 and 1 more transcripts); c.2710G>A, p.Asp904Asn (NM_001407467.1, NM_001407469.1); c.1945G>A, p.Asp649Asn (NM_001407471.1, NM_001407472.1); c.2248G>A, p.Asp750Asn (NM_001407470.1, NM_001354906.2); c.3097G>A, p.Asp1033Asn (NM_001127510.3, NM_001354895.2, NM_001407450.1); c.3043G>A, p.Asp1015Asn (NM_001127511.3); c.3151G>A, p.Asp1051Asn (NM_001354896.2, NM_001407447.1, NM_001407448.1 and 1 more transcripts); and 11 more; short protein forms D1051N, D750N, D1033N, D1043N, D904N, D932N, D1015N, D1023N.
Identifiers: ClinVar variation 3411948 (VCV003411948.1).

ClinVar aggregate classification (germline): Uncertain significance (1 of 4 stars; one submission).

Conditions:
Hereditary cancer-predisposing syndrome. Also called: Neoplastic Syndromes, Hereditary; Tumor predisposition; Hereditary Cancer Syndrome; Hereditary neoplastic syndrome. Identifiers: Orphanet 140162, MedGen C0027672, MeSH D009386, MONDO:0015356.

Submission:

Ambry Genetics
Classification: Uncertain significance for Hereditary cancer-predisposing syndrome. Last evaluated: 2024-11-14. Review status: criteria provided, single submitter. Criteria: Ambry Variant Classification Scheme 2023. Collection method: clinical testing. Allele origin: germline.
Comment: The p.D1033N variant (also known as c.3097G>A), located in coding exon 15 of the APC gene, results from a G to A substitution at nucleotide position 3097. The aspartic acid at codon 1033 is replaced by asparagine, an amino acid with highly similar properties. This amino acid position is highly conserved in available vertebrate species. In addition, in silico predictors for this gene do not accurately predict pathogenicity. Based on the available evidence, the clinical significance of this variant remains unclear.